The following is an entry in ClinVar:

ClinVar aggregate classification (germline): Conflicting classifications of pathogenicity. Review status: criteria provided, conflicting classifications (1 of 4 stars). 3 submissions from 3 submitters: Uncertain significance (2); Likely benign (1). Last evaluated 2026-02-23.

Conditions:
CREBBP-related disorder. Also called: CREBBP-related condition; CREBBP-related disorders.
Rubinstein-Taybi syndrome (RSTS). Identifiers: Orphanet 783, MedGen C0035934, MONDO:0019188.

Allele frequency attached by ClinVar (database versions not stated): ExAC 0.00001; gnomAD exomes 0.00001; gnomAD 0.00003; TOPMed 0.00003; ESP Exome Variant Server 0.00015.
gnomAD v4.1: 12 of 1,613,328 alleles (0.00074%); highest among the groups gnomAD compares: Middle Eastern, 0.033%; no homozygotes.

Submissions (3):

Women's Health and Genetics/Laboratory Corporation of America, LabCorp
Classification: Uncertain significance. Last evaluated: 2026-02-23. Review status: criteria provided, single submitter. Criteria: LabCorp Variant Classification Summary - May 2015. Collection method: clinical testing. Allele origin: germline.
Comment: Variant summary: CREBBP c.6997C>A (p.Gln2333Lys) results in a conservative amino acid change in the encoded protein sequence. Algorithms developed to predict the effect of missense changes on protein structure and function are either unavailable or do not agree on the potential impact of this missense change. The variant allele was found at a frequency of 4e-06 in 251102 control chromosomes. The available data on variant occurrences in the general population are insufficient to allow any conclusion about variant significance. To our knowledge, no occurrence of c.6997C>A in individuals affected with CREBBP-related conditions and no experimental evidence demonstrating its impact on protein function have been reported. ClinVar contains an entry for this variant (Variation ID: 2897392). Based on the evidence outlined above, the variant was classified as uncertain significance.

PreventionGenetics, part of Exact Sciences
Classification: Uncertain significance for CREBBP-related condition. Last evaluated: 2025-07-23. Review status: criteria provided, single submitter. Criteria: ACMG Guidelines, 2015. Collection method: clinical testing. Allele origin: germline.
Comment: The CREBBP c.6997C>A variant is predicted to result in the amino acid substitution p.Gln2333Lys. To our knowledge, this variant has not been reported in the literature. This variant is reported in 0.0040% of alleles in individuals of African descent in gnomAD, but this population data provides evidence against de novo occurrence and is likely inconsistent with severe pediatric-onset autosomal dominant disease. At this time, the clinical significance of this variant is uncertain due to the absence of conclusive functional and genetic evidence.

Labcorp Genetics (formerly Invitae), Labcorp
Classification: Likely benign for Rubinstein-Taybi syndrome. Last evaluated: 2025-04-08. Review status: criteria provided, single submitter. Criteria: Invitae Variant Classification Sherloc (09022015). Collection method: clinical testing. Allele origin: germline.

NM_004380.3(CREBBP):c.6997C>A (p.Gln2333Lys)

Gene: CREBBP (CREB binding lysine acetyltransferase; minus strand). Cytogenetic location: 16p13.3.
Variant type: single nucleotide variant.
Coding change: c.6997C>A on transcript NM_004380.3 (MANE Select); coding-DNA position 6997, C replaced by A.
Protein change: p.Gln2333Lys; replaces glutamine 2333 with lysine.
Molecular consequence: missense variant.
Genome position (GRCh38, 1-based): chr16:3,728,050, G>T on the plus strand (C>A on the coding strand, the complement: CREBBP is on the minus strand). VCF-style: chr16-3728050-G-T. GRCh37 (hg19) VCF-style: chr16-3778051-G-T.
Other names: c.6883C>A, p.Gln2295Lys (NM_001079846.1); c.6997C>A (NM_004380.2); short protein forms Q2295K, Q2333K.
Identifiers: ClinVar variation 2897392 (VCV002897392.5), dbSNP rs377018267, ClinGen allele CA7868968.
Genomic context (GRCh38, chr16:3,728,050, plus strand): 5'-GTGGAGACTGGACAGGGGCTGGAGACCGCACCTGGTTACTAAGGGACGTGGCGATCTGCT[G>T]GCCAGGGAGATGCGAGGCCTGTGGCTGTCCTGAGAGCATGTGTTGCTGGGGGCTCATGGG-3'
Protein context (NP_004371.2, residues 2323-2343): GQPQASHLPG[Gln2333Lys]QIATSLSNQV